The following is an entry in ClinVar:

NM_000553.6(WRN):c.1687G>A (p.Glu563Lys)

Gene: WRN (WRN RecQ like helicase; plus strand). Cytogenetic location: 8p12.
Variant type: single nucleotide variant.
Coding change: c.1687G>A on transcript NM_000553.6 (MANE Select); coding-DNA position 1687, G replaced by A.
Protein change: p.Glu563Lys; replaces glutamic acid 563 with lysine.
Molecular consequence: missense variant.
Genome position (GRCh38, 1-based): chr8:31,090,499, G>A. VCF-style: chr8-31090499-G-A. GRCh37 (hg19) VCF-style: chr8-30948015-G-A.
Other names: short protein forms E563K.
Identifiers: ClinVar variation 950510 (VCV000950510.2), dbSNP rs1813704336, ClinGen allele CA370926959.

ClinVar aggregate classification (germline): Uncertain significance (1 of 4 stars; one submission).

Conditions:
Werner syndrome (WRN). Identifiers: Orphanet 902, MedGen C0043119, MONDO:0010196, OMIM 277700.

Allele frequency attached by ClinVar (database versions not stated): gnomAD exomes below 0.00001.
gnomAD v4.1: 1 of 1,612,182 alleles (0.000062%); highest among the groups gnomAD compares: Non-Finnish European, 0.000085%; no homozygotes.

Submission:

Labcorp Genetics (formerly Invitae), Labcorp
Classification: Uncertain significance for Werner syndrome. Last evaluated: 2020-01-07. Review status: criteria provided, single submitter. Criteria: Invitae Variant Classification Sherloc (09022015). Collection method: clinical testing. Allele origin: germline.
Comment: This sequence change replaces glutamic acid with lysine at codon 563 of the WRN protein (p.Glu563Lys). The glutamic acid residue is moderately conserved and there is a small physicochemical difference between glutamic acid and lysine. This variant is not present in population databases (ExAC no frequency). This variant has not been reported in the literature in individuals with WRN-related conditions. Algorithms developed to predict the effect of missense changes on protein structure and function are either unavailable or do not agree on the potential impact of this missense change (SIFT: Tolerated; PolyPhen-2: Probably Damaging; Align-GVGD: Class 0). In summary, the available evidence is currently insufficient to determine the role of this variant in disease. Therefore, it has been classified as a Variant of Uncertain Significance.